The following is an entry in ClinVar:

ClinVar aggregate classification (germline): Uncertain significance (1 of 4 stars; one submission).

Conditions:
Ventricular fibrillation, paroxysmal familial, 2 (VF2). Identifiers: Orphanet 228140, MedGen C2751829, MONDO:0013063, OMIM 612956.

gnomAD v4.1: 37 of 1,613,596 alleles (0.0023%); highest among the groups gnomAD compares: Non-Finnish European, 0.00017%; 1 homozygote.

Submission:

Neuberg Centre For Genomic Medicine, NCGM
Classification: Uncertain significance for Ventricular fibrillation, paroxysmal familial, 2. Last evaluated: 2023-06-22. Review status: criteria provided, single submitter. Criteria: ACMG Guidelines, 2015. Collection method: clinical testing. Allele origin: germline. Inheritance: Autosomal dominant inheritance. Affected: yes.
Comment: The splice region variant c.1667-4A>G in DPP6 gene has not been reported previously as a pathogenic variant nor as a benign variant, to our knowledge. The c.1667-4A>G variant is absent in gnomAD exomes database. This variant has not been submitted to the ClinVar database. For these reasons, this variant has been classified as Uncertain Significance (VUS).

NM_130797.4(DPP6):c.1667-4A>G

Gene: DPP6 (dipeptidyl peptidase like 6; plus strand). Cytogenetic location: 7q36.2.
Variant type: single nucleotide variant.
Coding change: c.1667-4A>G on transcript NM_130797.4 (MANE Select); 4 bases into the intron before coding-DNA position 1667, A replaced by G.
Molecular consequence: intron variant.
Genome position (GRCh38, 1-based): chr7:154,853,776, A>G. VCF-style: chr7-154853776-A-G. GRCh37 (hg19) VCF-style: chr7-154645486-A-G.
Other names: c.1484-4A>G (NM_001364500.2, NM_001364499.2, NM_001364497.2 and 1 more transcripts); c.1475-4A>G (NM_001039350.3); c.1481-4A>G (NM_001936.5); c.1346-4A>G (NM_001290252.2).
Identifiers: ClinVar variation 3731513 (VCV003731513.1).